The following is an entry in ClinVar:

ClinVar aggregate classification (germline): Uncertain significance. Review status: criteria provided, multiple submitters, no conflicts (2 of 4 stars). 2 submissions from 2 submitters: Uncertain significance (2). Last evaluated 2022-10-27.

gnomAD v4.1: 13 of 1,613,782 alleles (0.00081%); highest among the groups gnomAD compares: Admixed American, 0.02%; no homozygotes.

Submissions (2):

Blueprint Genetics
Classification: Uncertain significance. Last evaluated: 2022-10-27. Review status: criteria provided, single submitter. Criteria: ACMG Guidelines, 2015. Collection method: clinical testing. Allele origin: germline.

Labcorp Genetics (formerly Invitae), Labcorp
Classification: Uncertain significance. Last evaluated: 2022-04-19. Review status: criteria provided, single submitter. Criteria: Invitae Variant Classification Sherloc (09022015). Collection method: clinical testing. Allele origin: germline.
Comment: This sequence change replaces tyrosine, which is neutral and polar, with serine, which is neutral and polar, at codon 177 of the COL18A1 protein (p.Tyr177Ser). This variant is present in population databases (rs779470945, gnomAD 0.03%). This variant has not been reported in the literature in individuals affected with COL18A1-related conditions. Experimental studies and prediction algorithms are not available or were not evaluated, and the functional significance of this variant is currently unknown. In summary, the available evidence is currently insufficient to determine the role of this variant in disease. Therefore, it has been classified as a Variant of Uncertain Significance.

NM_001379500.1(COL18A1):c.530A>C (p.Tyr177Ser)

Gene: COL18A1 (collagen type XVIII alpha 1 chain; plus strand). Cytogenetic location: 21q22.3.
Variant type: single nucleotide variant.
Coding change: c.530A>C on transcript NM_001379500.1 (MANE Select); coding-DNA position 530, A replaced by C.
Protein change: p.Tyr177Ser; replaces tyrosine 177 with serine.
Molecular consequence: missense variant.
Genome position (GRCh38, 1-based): chr21:45,468,665, A>C. VCF-style: chr21-45468665-A-C. GRCh37 (hg19) VCF-style: chr21-46888579-A-C.
Other names: c.1070A>C, p.Tyr357Ser (NM_030582.4); c.1775A>C, p.Tyr592Ser (NM_130444.3); short protein forms Y592S, Y357S, Y177S.
Identifiers: ClinVar variation 1518674 (VCV001518674.4), dbSNP rs779470945, ClinGen allele CA10065772.
Genomic context (GRCh38, chr21:45,468,665, plus strand): 5'-CCTTCGTCGGCCAGTGGACACACTTAGCCCTCAGTGTGGCAGGTGGCTTTGTGGCCCTCT[A>C]CGTGGACTGTGAGGAGTTCCAGAGAATGCCGCTTGCTCGGTCCTCACGGGGCCTGGAGCT-3'
Protein context (NP_001366429.1, residues 167-187): LSVAGGFVAL[Tyr177Ser]VDCEEFQRMP